The following is an entry in ClinVar:

NM_025144.4(ALPK1):c.3365A>G (p.Lys1122Arg)

Gene: ALPK1 (alpha kinase 1; plus strand). Cytogenetic location: 4q25.
Variant type: single nucleotide variant.
Coding change: c.3365A>G on transcript NM_025144.4 (MANE Select); coding-DNA position 3365, A replaced by G.
Protein change: p.Lys1122Arg; replaces lysine 1122 with arginine.
Molecular consequence: missense variant.
Genome position (GRCh38, 1-based): chr4:112,439,699, A>G. VCF-style: chr4-112439699-A-G. GRCh37 (hg19) VCF-style: chr4-113360855-A-G.
Other names: c.3365A>G, p.Lys1122Arg (NM_001102406.2); c.3131A>G, p.Lys1044Arg (NM_001253884.2); short protein forms K1122R, K1044R.
Identifiers: ClinVar variation 2816484 (VCV002816484.3), dbSNP rs988300087, ClinGen allele CA103770410.

ClinVar aggregate classification (germline): Uncertain significance (1 of 4 stars; one submission).

Allele frequency attached by ClinVar (database versions not stated): gnomAD exomes below 0.00001; TOPMed 0.00005; gnomAD 0.00007.
gnomAD v4.1: 14 of 1,603,344 alleles (0.00087%); highest among the groups gnomAD compares: African/African-American, 0.019%; no homozygotes.

Submission:

Labcorp Genetics (formerly Invitae), Labcorp
Classification: Uncertain significance. Last evaluated: 2023-02-16. Review status: criteria provided, single submitter. Criteria: Invitae Variant Classification Sherloc (09022015). Collection method: clinical testing. Allele origin: germline.
Comment: In summary, the available evidence is currently insufficient to determine the role of this variant in disease. Therefore, it has been classified as a Variant of Uncertain Significance. Algorithms developed to predict the effect of missense changes on protein structure and function output the following: SIFT: "Not Available"; PolyPhen-2: "Benign"; Align-GVGD: "Not Available". The arginine amino acid residue is found in multiple mammalian species, which suggests that this missense change does not adversely affect protein function. This variant has not been reported in the literature in individuals affected with ALPK1-related conditions. This variant is present in population databases (no rsID available, gnomAD 0.03%). This sequence change replaces lysine, which is basic and polar, with arginine, which is basic and polar, at codon 1122 of the ALPK1 protein (p.Lys1122Arg).